The following is an entry in ClinVar:

ClinVar aggregate classification (germline): Uncertain significance (1 of 4 stars; one submission).

Conditions:
Charcot-Marie-Tooth disease type 2E (CMT2E). Also called: CHARCOT-MARIE-TOOTH DISEASE, AXONAL, TYPE 2E; CHARCOT-MARIE-TOOTH NEUROPATHY, TYPE 2E. Identifiers: Orphanet 99939, MedGen C1843225, MONDO:0011894, OMIM 607684.

Submission:

Labcorp Genetics (formerly Invitae), Labcorp
Classification: Uncertain significance for Charcot-Marie-Tooth disease type 2E. Last evaluated: 2025-08-06. Review status: criteria provided, single submitter. Criteria: Invitae Variant Classification Sherloc (09022015). Collection method: clinical testing. Allele origin: germline.
Comment: This sequence change replaces alanine, which is neutral and non-polar, with valine, which is neutral and non-polar, at codon 491 of the NEFL protein (p.Ala491Val). This variant is present in population databases (no rsID available, gnomAD 0.02%). This variant has not been reported in the literature in individuals affected with NEFL-related conditions. Invitae Evidence Modeling of protein sequence and biophysical properties (such as structural, functional, and spatial information, amino acid conservation, physicochemical variation, residue mobility, and thermodynamic stability) has been performed for this missense variant. However, the output from this modeling did not meet the statistical confidence thresholds required to predict the impact of this variant on NEFL protein function. In summary, the available evidence is currently insufficient to determine the role of this variant in disease. Therefore, it has been classified as a Variant of Uncertain Significance.

NM_006158.5(NEFL):c.1472C>T (p.Ala491Val)

Gene: NEFL (neurofilament light chain; minus strand). Cytogenetic location: 8p21.2.
Variant type: single nucleotide variant.
Coding change: c.1472C>T on transcript NM_006158.5 (MANE Select); coding-DNA position 1472, C replaced by T.
Protein change: p.Ala491Val; replaces alanine 491 with valine.
Molecular consequence: missense variant.
Genome position (GRCh38, 1-based): chr8:24,953,493, G>A on the plus strand (C>T on the coding strand, the complement: NEFL is on the minus strand). VCF-style: chr8-24953493-G-A. GRCh37 (hg19) VCF-style: chr8-24811006-G-A.
Other names: short protein forms A491V.
Identifiers: ClinVar variation 4740109 (VCV004740109.1).